The following is an entry in ClinVar:

NM_001367624.2(ZNF469):c.1584G>A (p.Pro528=)

Gene: ZNF469 (zinc finger protein 469; plus strand). Cytogenetic location: 16q24.2.
Variant type: single nucleotide variant.
Coding change: c.1584G>A on transcript NM_001367624.2 (MANE Select); coding-DNA position 1584, G replaced by A.
Protein change: p.Pro528=; no amino-acid change (proline 528 retained).
Molecular consequence: synonymous variant.
Genome position (GRCh38, 1-based): chr16:88,429,054, G>A. VCF-style: chr16-88429054-G-A. GRCh37 (hg19) VCF-style: chr16-88495462-G-A.
Other names: NM_001127464.1:c.1584G>A; NM_001127464.2:c.1584G>A; p.Pro528=.
Identifiers: ClinVar variation 320868 (VCV000320868.22), dbSNP rs143852982, ClinGen allele CA8224689.
Genomic context (GRCh38, chr16:88,429,054, plus strand): 5'-GGGGGGCCCCGAGTGGCAGGGGGGCAGCCAAGGAGCCCTGGGCACTGCTGGCAAGACACC[G>A]GGACCCAGAGAGAAGCTGCCAGCCGTGAGAAGCAGCCAGGGCGGCTCCCCAGCACTGTTC-3'
Protein context (NP_001354553.1, residues 518-538): QGALGTAGKT[Pro528=]GPREKLPAVR

ClinVar aggregate classification (germline): Benign/Likely benign. Review status: criteria provided, multiple submitters, no conflicts (2 of 4 stars). 6 submissions from 6 submitters: Benign (4); Likely benign (2). Last evaluated 2026-02-02.

Conditions:
Cardiovascular phenotype. Identifiers: MedGen CN230736.
Ehlers-Danlos syndrome (EDS). Identifiers: Orphanet 98249, MedGen C0013720, MONDO:0020066.

Allele frequency attached by ClinVar (database versions not stated): gnomAD exomes 0.00076 and 0.00150; ExAC 0.00185; gnomAD 0.00797 and 0.00854; 1000 Genomes Project 0.00799; 1000 Genomes Project 30x 0.00906; TOPMed 0.00918.
gnomAD v4.1: 2,295 of 1,549,934 alleles (0.15%); highest among the groups gnomAD compares: African/African-American, 2.8%; 24 homozygotes.

Submissions (6):

Labcorp Genetics (formerly Invitae), Labcorp
Classification: Benign. Last evaluated: 2026-02-02. Review status: criteria provided, single submitter. Criteria: Invitae Variant Classification Sherloc (09022015). Collection method: clinical testing. Allele origin: germline.

Women's Health and Genetics/Laboratory Corporation of America, LabCorp
Classification: Likely benign. Last evaluated: 2026-01-22. Review status: criteria provided, single submitter. Criteria: LabCorp Variant Classification Summary - May 2015. Collection method: clinical testing. Allele origin: germline.

Mayo Clinic Laboratories, Mayo Clinic
Classification: Benign. Last evaluated: 2023-06-16. Review status: criteria provided, single submitter. Criteria: ACMG Guidelines, 2015. Collection method: clinical testing. Allele origin: germline. Observed: 10 variant alleles.
Comment: BS1, BS2, BP4, BP7

Genome Diagnostics Laboratory, The Hospital for Sick Children
Classification: Likely benign for Ehlers-Danlos syndrome. Last evaluated: 2022-02-17. Review status: criteria provided, single submitter. Criteria: ACMG Guidelines, 2015. Collection method: clinical testing. Allele origin: germline.

Ambry Genetics
Classification: Benign for Cardiovascular phenotype. Last evaluated: 2019-02-08. Review status: criteria provided, single submitter. Criteria: Ambry Variant Classification Scheme 2023. Collection method: clinical testing. Allele origin: germline.

GeneDx
Classification: Benign. Last evaluated: 2018-08-15. Review status: criteria provided, single submitter. Criteria: GeneDx Variant Classification Process June 2021. Collection method: clinical testing. Allele origin: germline. Affected: yes.